The following is an entry in ClinVar:

NM_001110556.2(FLNA):c.641A>G (p.Asp214Gly)

Gene: FLNA (filamin A; minus strand). Cytogenetic location: Xq28.
Variant type: single nucleotide variant.
Coding change: c.641A>G on transcript NM_001110556.2 (MANE Select); coding-DNA position 641, A replaced by G.
Protein change: p.Asp214Gly; replaces aspartic acid 214 with glycine.
Molecular consequence: missense variant.
Genome position (GRCh38, 1-based): chrX:154,367,720, T>C on the plus strand (A>G on the coding strand, the complement: FLNA is on the minus strand). VCF-style: chrX-154367720-T-C. GRCh37 (hg19) VCF-style: chrX-153596088-T-C.
Other names: c.641A>G, p.Asp214Gly (NM_001456.4); short protein forms D214G.
Identifiers: ClinVar variation 1313267 (VCV001313267.2), dbSNP rs2148119202, ClinGen allele CA415248911.

ClinVar aggregate classification (germline): Uncertain significance (1 of 4 stars; one submission).

Submission:

GeneDx
Classification: Uncertain significance. Last evaluated: 2020-10-12. Review status: criteria provided, single submitter. Criteria: GeneDx Variant Classification Process June 2021. Collection method: clinical testing. Allele origin: germline. Affected: yes.
Comment: Not observed in large population cohorts (Lek et al., 2016); In silico analysis supports that this missense variant has a deleterious effect on protein structure/function; Missense variants in nearby residues reported in the Human Gene Mutation Database (Stenson et al., 2014); Has not been previously published as pathogenic or benign to our knowledge